The following is an entry in ClinVar:

ClinVar aggregate classification (germline): Likely benign. Review status: criteria provided, multiple submitters, no conflicts (2 of 4 stars). 2 submissions from 2 submitters: Likely benign (2). Last evaluated 2024-10-29.

Conditions:
PPARG-related disorder. Also called: PPARG-related disorders; PPARG-related condition.

Allele frequency attached by ClinVar (database versions not stated): gnomAD 0.00001; gnomAD exomes 0.00001; TOPMed 0.00001; ExAC 0.00002.
gnomAD v4.1: 3 of 1,613,108 alleles (0.00019%); highest among the groups gnomAD compares: Admixed American, 0.0033%; no homozygotes.

Submissions (2):

PreventionGenetics, part of Exact Sciences
Classification: Likely benign for PPARG-related condition. Last evaluated: 2024-10-29. Review status: criteria provided, single submitter. Criteria: ACMG Guidelines, 2015. Collection method: clinical testing. Allele origin: germline.
Comment: This variant is classified as likely benign based on ACMG/AMP sequence variant interpretation guidelines (Richards et al. 2015 PMID: 25741868, with internal and published modifications).

Labcorp Genetics (formerly Invitae), Labcorp
Classification: Likely benign. Last evaluated: 2021-03-20. Review status: criteria provided, single submitter. Criteria: Invitae Variant Classification Sherloc (09022015). Collection method: clinical testing. Allele origin: germline.

NM_138711.6(PPARG):c.729+15G>A

Genes: PPARG (peroxisome proliferator activated receptor gamma; plus strand), LOC114803475 (PPARG eExon liver enhancer; plus strand). Cytogenetic location: 3p25.2.
Variant type: single nucleotide variant.
Coding change: c.729+15G>A on transcript NM_138711.6 (MANE Select); 15 bases into the intron after coding-DNA position 729, G replaced by A.
Molecular consequence: intron variant. On other transcripts: synonymous variant (2).
Genome position (GRCh38, 1-based): chr3:12,406,096, G>A. VCF-style: chr3-12406096-G-A. GRCh37 (hg19) VCF-style: chr3-12447595-G-A.
Other names: c.834G>A (NM_001354668.1); c.834G>A, p.Leu278= (NM_001354668.2); c.750G>A, p.Leu250= (NM_001354670.2); c.729+15G>A (NM_001354666.3, NM_138712.5, NM_005037.7 and 6 more transcripts); c.103-10608G>A (NM_001354669.2); c.653+97G>A (NM_001374266.1); c.819+15G>A (NM_015869.5, NM_001374265.1).
Identifiers: ClinVar variation 1640282 (VCV001640282.9), dbSNP rs765000048, ClinGen allele CA2258248.